The following is an entry in ClinVar:

ClinVar aggregate classification (germline): Uncertain significance (1 of 4 stars; one submission).

Conditions:
Distal hereditary motor neuropathy type 2. Identifiers: Orphanet 139525, MedGen C3711384, MeSH C580044, MONDO:0015352.

Allele frequency attached by ClinVar (database versions not stated): gnomAD exomes below 0.00001.
gnomAD v4.1: 1 of 1,613,742 alleles (0.000062%); highest among the groups gnomAD compares: Non-Finnish European, 0.000085%; no homozygotes.

Submission:

Labcorp Genetics (formerly Invitae), Labcorp
Classification: Uncertain significance for Distal hereditary motor neuropathy type 2. Last evaluated: 2022-07-17. Review status: criteria provided, single submitter. Criteria: Invitae Variant Classification Sherloc (09022015). Collection method: clinical testing. Allele origin: germline.
Comment: In summary, the available evidence is currently insufficient to determine the role of this variant in disease. Therefore, it has been classified as a Variant of Uncertain Significance. Algorithms developed to predict the effect of missense changes on protein structure and function are either unavailable or do not agree on the potential impact of this missense change (SIFT: "Deleterious"; PolyPhen-2: "Probably Damaging"; Align-GVGD: "Class C0"). ClinVar contains an entry for this variant (Variation ID: 1523775). This variant has not been reported in the literature in individuals affected with FBXO38-related conditions. This variant is not present in population databases (gnomAD no frequency). This sequence change replaces valine, which is neutral and non-polar, with leucine, which is neutral and non-polar, at codon 120 of the FBXO38 protein (p.Val120Leu).

NM_205836.3(FBXO38):c.358G>T (p.Val120Leu)

Gene: FBXO38 (F-box protein 38; plus strand). Cytogenetic location: 5q32.
Variant type: single nucleotide variant.
Coding change: c.358G>T on transcript NM_205836.3 (MANE Select); coding-DNA position 358, G replaced by T.
Protein change: p.Val120Leu; replaces valine 120 with leucine.
Molecular consequence: missense variant.
Genome position (GRCh38, 1-based): chr5:148,402,077, G>T. VCF-style: chr5-148402077-G-T. GRCh37 (hg19) VCF-style: chr5-147781640-G-T.
Other names: c.358G>T, p.Val120Leu (NM_001271723.2, NM_030793.5); short protein forms V120L.
Identifiers: ClinVar variation 1523775 (VCV001523775.8), dbSNP rs2113532084, ClinGen allele CA361654829.